The following is an entry in ClinVar:

ClinVar aggregate classification (germline): Conflicting classifications of pathogenicity. Review status: criteria provided, conflicting classifications (1 of 4 stars). 2 submissions from 2 submitters: Pathogenic (1); Uncertain significance (1). Last evaluated 2021-04-22.

Conditions:
Amblyopia. Identifiers: MedGen C0002418, MONDO:0001020, HP:0000646.
Stenosis of the external auditory canal. Identifiers: MedGen C0395837, HP:0000402.
Strabismus. Identifiers: MedGen C0038379, MONDO:0003432, HP:0000486.
Abnormal pinna morphology. Also called: Bilateral external ear deformity; Abnormality of the pinna. Identifiers: MedGen C0857379, HP:0000377.
Microtia. Identifiers: MedGen C0152423, HP:0008551, MONDO:0010920.
Choanal atresia. Identifiers: Orphanet 137914, MedGen C0008297, MONDO:0012155, HP:0000453.
Kabuki syndrome 1 (KABUK1). Also called: KMT2D-Related Kabuki Syndrome. Identifiers: Orphanet 2322, MedGen CN030661, MONDO:0007843, OMIM 147920.

Submissions (2):

Institute of Human Genetics Munich, TUM University Hospital
Classification: Pathogenic for Choanal atresia; Microtia; Strabismus; Abnormal pinna morphology; Stenosis of the external auditory canal; Amblyopia. Last evaluated: 2021-04-22. Review status: criteria provided, single submitter. Criteria: Classification criteria August 2017. Collection method: clinical testing. Allele origin: de novo. Inheritance: Autosomal dominant inheritance. Affected: yes. Observed: 1 variant allele.

Broad Center for Mendelian Genomics, Broad Institute of MIT and Harvard
Classification: Uncertain significance for Kabuki syndrome 1. Last evaluated: 2020-05-29. Review status: criteria provided, single submitter. Criteria: ACMG Guidelines, 2015. Collection method: research. Allele origin: germline. Inheritance: Autosomal dominant inheritance.
Comment: Trio exome analysis showed this variant to be de novo. The p.Leu3542Val variant was absent from large population studies. Computational prediction tools, including splice predictors, and conservation analyses suggest that this variant may not impact the protein, though this information is not predictive enough to rule out pathogenicity. The number of missense variants reported in KMT2D in the general population is lower than expected, suggesting there is little benign variation in this gene and slightly increasing the possibility that a missense variant in this gene may not be tolerated. In summary, the clinical significance of the p.Leu3542Val variant is uncertain. ACMG/AMP Criteria applied: PS2, PM2, PP2, BP4 (Richards 2015).

Literature cited by the submitters: PubMed 31395954 (cited by Broad Center for Mendelian Genomics, Broad Institute of MIT and Harvard).

NM_003482.4(KMT2D):c.10624C>G (p.Leu3542Val)

Gene: KMT2D (lysine methyltransferase 2D; minus strand). Cytogenetic location: 12q13.12.
Variant type: single nucleotide variant.
Coding change: c.10624C>G on transcript NM_003482.4 (MANE Select); coding-DNA position 10624, C replaced by G.
Protein change: p.Leu3542Val; replaces leucine 3542 with valine.
Molecular consequence: missense variant.
Genome position (GRCh38, 1-based): chr12:49,034,183, G>C on the plus strand (C>G on the coding strand, the complement: KMT2D is on the minus strand). VCF-style: chr12-49034183-G-C. GRCh37 (hg19) VCF-style: chr12-49427966-G-C.
Other names: short protein forms L3542V.
Identifiers: ClinVar variation 977143 (VCV000977143.2), dbSNP rs1943099362, ClinGen allele CA384727899.